The following is an entry in ClinVar:

ClinVar aggregate classification (germline): Uncertain significance (1 of 4 stars; one submission).

Conditions:
Charcot-Marie-Tooth disease recessive intermediate C. Also called: CHARCOT-MARIE-TOOTH NEUROPATHY, RECESSIVE INTERMEDIATE C. Identifiers: Orphanet 369867, MedGen C3809309, MONDO:0014154, OMIM 615376.
Neuronopathy, distal hereditary motor, autosomal recessive 4. Also called: Autosomal recessive lower motor neuron disease with childhood onset; NEUROPATHY, DISTAL HEREDITARY MOTOR, AUTOSOMAL RECESSIVE 4. Identifiers: Orphanet 206580, MedGen C1970211, MONDO:0012608, OMIM 611067.

gnomAD v4.1: 1 of 1,562,326 alleles (0.000064%); highest among the groups gnomAD compares: African/African-American, 0.0014%; no homozygotes.

Submission:

Labcorp Genetics (formerly Invitae), Labcorp
Classification: Uncertain significance for Neuronopathy, distal hereditary motor, autosomal recessive 4; Charcot-Marie-Tooth disease recessive intermediate C. Last evaluated: 2021-08-27. Review status: criteria provided, single submitter. Criteria: Invitae Variant Classification Sherloc (09022015). Collection method: clinical testing. Allele origin: germline.
Comment: This sequence change replaces alanine with threonine at codon 507 of the PLEKHG5 protein (p.Ala507Thr). The alanine residue is weakly conserved and there is a small physicochemical difference between alanine and threonine. This variant is not present in population databases (ExAC no frequency). This variant has not been reported in the literature in individuals affected with PLEKHG5-related conditions. Algorithms developed to predict the effect of missense changes on protein structure and function output the following: SIFT: "Tolerated"; PolyPhen-2: "Benign"; Align-GVGD: "Class C0". The threonine amino acid residue is found in multiple mammalian species, which suggests that this missense change does not adversely affect protein function. In summary, the available evidence is currently insufficient to determine the role of this variant in disease. Therefore, it has been classified as a Variant of Uncertain Significance.

NM_020631.6(PLEKHG5):c.1519G>A (p.Ala507Thr)

Gene: PLEKHG5 (pleckstrin homology and RhoGEF domain containing G5; minus strand). Cytogenetic location: 1p36.31.
Variant type: single nucleotide variant.
Coding change: c.1519G>A on transcript NM_020631.6 (MANE Select); coding-DNA position 1519, G replaced by A.
Protein change: p.Ala507Thr; replaces alanine 507 with threonine.
Molecular consequence: missense variant.
Genome position (GRCh38, 1-based): chr1:6,470,758, C>T on the plus strand (G>A on the coding strand, the complement: PLEKHG5 is on the minus strand). VCF-style: chr1-6470758-C-T. GRCh37 (hg19) VCF-style: chr1-6530818-C-T.
Other names: c.1630G>A, p.Ala544Thr (NM_001042663.3, NM_001265592.2); c.1519G>A, p.Ala507Thr (NM_001042664.2, NM_001042665.2, NM_001265594.3 and 1 more transcripts); c.1726G>A, p.Ala576Thr (NM_001265593.2); short protein forms A507T, A576T, A544T.
Identifiers: ClinVar variation 567417 (VCV000567417.6), dbSNP rs868002197, ClinGen allele CA338126376.
Genomic context (GRCh38, chr1:6,470,758, plus strand): 5'-CGCAGGGGGGACGGCTCCCGCTGGCCATCAGGGTTACCATGGCGACGACGGCCTCCTTGG[C>T]GCGCGGCTCCTCGGTCTTCCTCAGCACCGACTTGAGCAGCAGCGGGTACTTGGTGAGCCG-3'
Protein context (NP_065682.2, residues 497-517): SVLRKTEEPR[Ala507Thr]KEAVVAMIGS